The following is an entry in ClinVar:

NM_001378609.3(OTOGL):c.7015A>G (p.Met2339Val)

Gene: OTOGL (otogelin like; plus strand). Cytogenetic location: 12q21.31.
Variant type: single nucleotide variant.
Coding change: c.7015A>G on transcript NM_001378609.3 (MANE Select); coding-DNA position 7015, A replaced by G.
Protein change: p.Met2339Val; replaces methionine 2339 with valine.
Molecular consequence: missense variant.
Genome position (GRCh38, 1-based): chr12:80,378,001, A>G. VCF-style: chr12-80378001-A-G. GRCh37 (hg19) VCF-style: chr12-80771781-A-G.
Other names: c.6880A>G, p.Met2294Val (NM_001368062.3); c.7015A>G, p.Met2339Val (NM_001378610.3, NM_173591.7); short protein forms M2294V, M2339V.
Identifiers: ClinVar variation 3252933 (VCV003252933.1), dbSNP rs1268945822.
Genomic context (GRCh38, chr12:80,378,001, plus strand): 5'-GAAAATGGAGTACGAAACTTGTCTGTGCCTCTGTATTGCTCAGGAAATGGCACTGAAATT[A>G]TGTACACTCTCCAGGAACCCATAGACTGTACGTGCCAGTGGAATTAAACCCTTGGGTTCC-3'
Protein context (NP_001365538.2, residues 2329-2349): LYCSGNGTEI[Met2339Val]YTLQEPIDCT

ClinVar aggregate classification (germline): Uncertain significance (1 of 4 stars; one submission).

Allele frequency attached by ClinVar (database versions not stated): gnomAD exomes below 0.00001; TOPMed below 0.00001; gnomAD 0.00001.
gnomAD v4.1: 2 of 1,598,044 alleles (0.00013%); highest among the groups gnomAD compares: African/African-American, 0.0027%; no homozygotes.

Submission:

GeneDx
Classification: Uncertain significance. Last evaluated: 2024-01-05. Review status: criteria provided, single submitter. Criteria: GeneDx Variant Classification Process June 2021. Collection method: clinical testing. Allele origin: germline. Affected: yes.
Comment: Not observed at significant frequency in large population cohorts (gnomAD); In silico analysis supports that this missense variant does not alter protein structure/function; Has not been previously published as pathogenic or benign to our knowledge